The following is an entry in ClinVar:

NM_138959.3(VANGL1):c.*2043C>T

Gene: VANGL1 (VANGL planar cell polarity protein 1; plus strand). Cytogenetic location: 1p13.1.
Variant type: single nucleotide variant.
Coding change: c.*2043C>T on transcript NM_138959.3 (MANE Select); 2043 bases downstream of the stop codon, C replaced by T.
Molecular consequence: 3 prime UTR variant.
Genome position (GRCh38, 1-based): chr1:115,693,422, C>T. VCF-style: chr1-115693422-C-T. GRCh37 (hg19) VCF-style: chr1-116236043-C-T.
Other names: c.*2043C>T (NM_001172411.2, NM_001172412.2).
Identifiers: ClinVar variation 292045 (VCV000292045.5), dbSNP rs74117021, ClinGen allele CA10607671.

ClinVar aggregate classification (germline): Benign. Review status: criteria provided, single submitter (1 of 4 stars). 2 submissions from 1 submitter: Benign (2). Last evaluated 2018-01-12.

Conditions:
Sacral defect with anterior meningocele. Identifiers: MedGen C1838568, OMIM 600145.
Neural tube defect (NTD). Also called: Neural tube defects. Identifiers: Orphanet 3388, Orphanet 823, MedGen C0027794, MONDO:0018075, HP:0045005.

Allele frequency attached by ClinVar (database versions not stated): gnomAD 0.02564 and 0.02749; TOPMed 0.02941; 1000 Genomes Project 0.02995; 1000 Genomes Project 30x 0.03201.

Submissions (2):

Illumina Laboratory Services, Illumina
Classification: Benign for Neural tube defects, susceptibility to. Last evaluated: 2018-01-12. Review status: criteria provided, single submitter. Criteria: ICSL Variant Classification Criteria 13 December 2019. Collection method: clinical testing. Allele origin: germline.
Comment: This variant was observed in the ICSL laboratory as part of a predisposition screen in an ostensibly healthy population. It had not been previously curated by ICSL or reported in the Human Gene Mutation Database (HGMD: prior to June 1st, 2018), and was therefore a candidate for classification through an automated scoring system. Utilizing variant allele frequency, disease prevalence and penetrance estimates, and inheritance mode, an automated score was calculated to assess if this variant is too frequent to cause the disease. Based on the score and internal cut-off values, a variant classified as benign is not then subjected to further curation. The score for this variant resulted in a classification of benign for this disease.

Illumina Laboratory Services, Illumina
Classification: Benign for Sacral defect with anterior meningocele. Last evaluated: 2018-01-12. Review status: criteria provided, single submitter. Criteria: ICSL Variant Classification Criteria 13 December 2019. Collection method: clinical testing. Allele origin: germline.
Comment: the same text as in the submission from Illumina Laboratory Services, Illumina above.